The following is an entry in ClinVar:

ClinVar aggregate classification (germline): Uncertain significance (1 of 4 stars; one submission).

Allele frequency attached by ClinVar (database versions not stated): gnomAD exomes 0.00001 and 0.00003; ExAC 0.00004; gnomAD 0.00004.
gnomAD v4.1: 29 of 1,612,410 alleles (0.0018%); highest among the groups gnomAD compares: Admixed American, 0.0084%; no homozygotes.

Submission:

Labcorp Genetics (formerly Invitae), Labcorp
Classification: Uncertain significance. Last evaluated: 2023-07-28. Review status: criteria provided, single submitter. Criteria: Invitae Variant Classification Sherloc (09022015). Collection method: clinical testing. Allele origin: germline.
Comment: In summary, the available evidence is currently insufficient to determine the role of this variant in disease. Therefore, it has been classified as a Variant of Uncertain Significance. This sequence change replaces serine, which is neutral and polar, with arginine, which is basic and polar, at codon 262 of the ASAH1 protein (p.Ser262Arg). This variant is present in population databases (rs778555809, gnomAD 0.01%). This variant has not been reported in the literature in individuals affected with ASAH1-related conditions. ClinVar contains an entry for this variant (Variation ID: 1354839). An algorithm developed to predict the effect of missense changes on protein structure and function (PolyPhen-2) suggests that this variant is likely to be disruptive.

NM_177924.5(ASAH1):c.786T>G (p.Ser262Arg)

Gene: ASAH1 (N-acylsphingosine amidohydrolase 1; minus strand). Cytogenetic location: 8p22.
Variant type: single nucleotide variant.
Coding change: c.786T>G on transcript NM_177924.5 (MANE Select); coding-DNA position 786, T replaced by G.
Protein change: p.Ser262Arg; replaces serine 262 with arginine.
Molecular consequence: missense variant.
Genome position (GRCh38, 1-based): chr8:18,059,703, A>C on the plus strand (T>G on the coding strand, the complement: ASAH1 is on the minus strand). VCF-style: chr8-18059703-A-C. GRCh37 (hg19) VCF-style: chr8-17917212-A-C.
Other names: c.768T>G, p.Ser256Arg (NM_001127505.3); c.591T>G, p.Ser197Arg (NM_001363743.2); c.834T>G, p.Ser278Arg (NM_004315.6); short protein forms S197R, S256R, S278R, S262R.
Identifiers: ClinVar variation 1354839 (VCV001354839.4), dbSNP rs778555809, ClinGen allele CA4650659.
Genomic context (GRCh38, chr8:18,059,703, plus strand): 5'-GATAAAGTAGGCTGGGGCCAATATCTTGGTCTTGGTCAATAAATTCTTGGCTTCTTCATA[A>C]CTATATAGAAACATTTAAAAAGAAAAATGAAACTTTTTTTTAATTTTAGTAAATAACTTC-3'
Protein context (NP_808592.2, residues 252-272): LTRTVLENST[Ser262Arg]YEEAKNLLTK